The following is an entry in ClinVar:

NM_001429.4(EP300):c.6112A>G (p.Ile2038Val)

Gene: EP300 (EP300 lysine acetyltransferase; plus strand). Cytogenetic location: 22q13.2.
Variant type: single nucleotide variant.
Coding change: c.6112A>G on transcript NM_001429.4 (MANE Select); coding-DNA position 6112, A replaced by G.
Protein change: p.Ile2038Val; replaces isoleucine 2038 with valine.
Molecular consequence: missense variant.
Genome position (GRCh38, 1-based): chr22:41,177,823, A>G. VCF-style: chr22-41177823-A-G. GRCh37 (hg19) VCF-style: chr22-41573827-A-G.
Other names: c.6034A>G, p.Ile2012Val (NM_001362843.2); c.6112A>G (NM_001429.3); short protein forms I2012V, I2038V.
Identifiers: ClinVar variation 2713064 (VCV002713064.4), dbSNP rs761386616, ClinGen allele CA10253783.

ClinVar aggregate classification (germline): Uncertain significance. Review status: criteria provided, multiple submitters, no conflicts (2 of 4 stars). 2 submissions from 2 submitters: Uncertain significance (2). Last evaluated 2026-09-01.

Conditions:
EP300-related disorder. Also called: EP300-related condition; EP300-related disorders.
Rubinstein-Taybi syndrome due to EP300 haploinsufficiency. Also called: EP300-Related Rubinstein-Taybi Syndrome; RUBINSTEIN-TAYBI SYNDROME 2. Identifiers: Orphanet 353284, Orphanet 783, MedGen C3150941, MONDO:0013364, OMIM 613684.

Allele frequency attached by ClinVar (database versions not stated): ExAC 0.00001; gnomAD 0.00001; gnomAD exomes 0.00001; TOPMed 0.00001.
gnomAD v4.1: 12 of 1,613,992 alleles (0.00074%); highest among the groups gnomAD compares: Admixed American, 0.0033%; no homozygotes.

Submissions (2):

PreventionGenetics, part of Exact Sciences
Classification: Uncertain significance for EP300-related condition. Last evaluated: 2026-09-01. Review status: criteria provided, single submitter. Criteria: ACMG Guidelines, 2015. Collection method: clinical testing. Allele origin: germline.
Comment: The EP300 c.6112A>G variant is predicted to result in the amino acid substitution p.Ile2038Val. This variant has not been reported in the literature in individuals with EP300-related disorders. This variant is reported in 0.0026% of alleles in individuals of European (Non-Finnish) descent in gnomAD. At this time, the clinical significance of this variant is uncertain due to the absence of conclusive functional and genetic evidence.

Labcorp Genetics (formerly Invitae), Labcorp
Classification: Uncertain significance for Rubinstein-Taybi syndrome due to EP300 haploinsufficiency. Last evaluated: 2025-10-06. Review status: criteria provided, single submitter. Criteria: Invitae Variant Classification Sherloc (09022015). Collection method: clinical testing. Allele origin: germline.
Comment: This sequence change replaces isoleucine, which is neutral and non-polar, with valine, which is neutral and non-polar, at codon 2038 of the EP300 protein (p.Ile2038Val). This variant is present in population databases (rs761386616, gnomAD 0.003%). This variant has not been reported in the literature in individuals affected with EP300-related conditions. ClinVar contains an entry for this variant (Variation ID: 2713064). Invitae Evidence Modeling of protein sequence and biophysical properties (such as structural, functional, and spatial information, amino acid conservation, physicochemical variation, residue mobility, and thermodynamic stability) indicates that this missense variant is not expected to disrupt EP300 protein function with a negative predictive value of 80%. In summary, the available evidence is currently insufficient to determine the role of this variant in disease. Therefore, it has been classified as a Variant of Uncertain Significance.